The following is an entry in ClinVar:

ClinVar aggregate classification (germline): Pathogenic (1 of 4 stars; one submission).

Conditions:
Mucopolysaccharidosis, MPS-II (MPS2). Also called: Hunter Syndrome; IDURONATE 2-SULFATASE DEFICIENCY; Mucopolysaccharidosis Type II; Mucopolysaccharidosis type 2; Attenuated MPS (subtype; formerly known as mild MPS II); Severe MPS II. Identifiers: Orphanet 580, Orphanet 79388, MedGen C0026705, MONDO:0010674, OMIM 309900.

Submission:

Laboratory of Diagnosis and Therapy of Lysosomal Disorders, University of Padova
Classification: Pathogenic for Mucopolysaccharidosis, MPS-II. Last evaluated: 2024-06-07. Review status: criteria provided, single submitter. Criteria: ACMG Guidelines, 2015. Collection method: literature only. Allele origin: germline. Affected: yes. Observed: 1 variant allele.
Comment: De novo (PS2_Moderate), Absent from controls (or at low frequency) in gnomAD database (PM2_Moderate), Missense variant in a gene with a low rate of benign missense variation (PP2_Supporting), Multiple lines of computational evidence support a deleterious effect (PP3_Supporting), Patient’s phenotype or family history highly specific for the disease (PP4_Strong)

Classification method: ACMG Guidelines [PMID:25741868] with modifications

Literature cited by the submitters: PubMed 33960103.

NM_000202.8(IDS):c.285G>T (p.Arg95Ser)

Gene: IDS (iduronate 2-sulfatase; minus strand). Cytogenetic location: Xq28.
Variant type: single nucleotide variant.
Coding change: c.285G>T on transcript NM_000202.8 (MANE Select); coding-DNA position 285, G replaced by T.
Protein change: p.Arg95Ser; replaces arginine 95 with serine.
Molecular consequence: missense variant. On other transcripts: non-coding transcript variant (1).
Genome position (GRCh38, 1-based): chrX:149,503,445, C>A on the plus strand (G>T on the coding strand, the complement: IDS is on the minus strand). VCF-style: chrX-149503445-C-A. GRCh37 (hg19) VCF-style: chrX-148584975-C-A.
Other names: c.15G>T, p.Arg5Ser (NM_001166550.4); c.285G>T, p.Arg95Ser (NM_006123.5); short protein forms R5S, R95S.
Identifiers: ClinVar variation 3255654 (VCV003255654.2).
Genomic context (GRCh38, chrX:149,503,445, plus strand): 5'-GTTTCCAGCGTGCACCCTCCAGTAGGAGTTGAAGTCGTACAGGCGGGTGGTGTCAGGTCT[C>A]CTGCCAGTGAGGAAAGAAACGCGGCTCGGGGCGCACACTGCTTGCTGTTAGGGAGCAGAA-3'
Protein context (NP_000193.1, residues 85-105): APSRVSFLTG[Arg95Ser]RPDTTRLYDF